The following is an entry in ClinVar:

ClinVar aggregate classification (germline): Uncertain significance. Review status: criteria provided, multiple submitters, no conflicts (2 of 4 stars). 12 submissions from 12 submitters: Uncertain significance (11). 1 of the submissions does not count toward it. Last evaluated 2026-01-26.

Conditions:
CHEK2-related cancer predisposition (TPDS4). Also called: CHEK2-related cancer susceptibility; TUMOR PREDISPOSITION SYNDROME 4; CANCER PREDISPOSITION SYNDROME, CHEK2-RELATED. Identifiers: Orphanet 524, MedGen C5882668, MONDO:0700271, OMIM 609265.
Familial prostate cancer. Also called: Hereditary Prostate Cancer. Identifiers: MedGen C2931456, MONDO:0700275, OMIM 176807.
Bone osteosarcoma. Also called: Osteosarcoma, somatic. Identifiers: Orphanet 668, MedGen C0585442, MONDO:0002629, OMIM 259500.
Breast and/or ovarian cancer. Identifiers: MedGen CN221562.
Hereditary cancer-predisposing syndrome. Also called: Hereditary Cancer Syndrome; Neoplastic Syndromes, Hereditary; Tumor predisposition; Hereditary neoplastic syndrome. Identifiers: Orphanet 140162, MedGen C0027672, MeSH D009386, MONDO:0015356.
Familial cancer of breast. Also called: Hereditary breast cancer; hereditary breast carcinoma; BREAST CANCER, FAMILIAL. Identifiers: Orphanet 227535, MedGen C0346153, MONDO:0016419, OMIM 114480. Disease mechanism: loss of function.
Malignant tumor of breast. Also called: Malignant breast neoplasm; Cancer breast. Identifiers: MedGen C0006142, MONDO:0007254. Disease mechanism: loss of function.

Allele frequency attached by ClinVar (database versions not stated): TOPMed 0.00001; gnomAD exomes 0.00002; ExAC 0.00003.
gnomAD v4.1: 34 of 1,606,482 alleles (0.0021%); highest among the groups gnomAD compares: Middle Eastern, 0.017%; no homozygotes.

Submissions 1 to 9 of 12:

Labcorp Genetics (formerly Invitae), Labcorp
Classification: Uncertain significance for Familial cancer of breast. Last evaluated: 2026-01-26. Review status: criteria provided, single submitter. Criteria: Invitae Variant Classification Sherloc (09022015). Collection method: clinical testing. Allele origin: germline.
Comment: This sequence change replaces isoleucine, which is neutral and non-polar, with threonine, which is neutral and polar, at codon 364 of the CHEK2 protein (p.Ile364Thr). This variant is present in population databases (rs774179198, gnomAD 0.004%). This missense change has been observed in individual(s) with breast cancer, rectal cancer, or undergoing genetic testing for Lynch syndrome (PMID: 18725978, 25980754, 27978560, 31050813, 32885271). ClinVar contains an entry for this variant (Variation ID: 185975). An algorithm developed to predict the effect of missense changes on protein structure and function (PolyPhen-2) suggests that this variant is likely to be disruptive. Experimental studies are conflicting or provide insufficient evidence to determine the effect of this variant on CHEK2 function (PMID: 18725978, 30851065, 31050813, 37449874). In summary, the available evidence is currently insufficient to determine the role of this variant in disease. Therefore, it has been classified as a Variant of Uncertain Significance.

Quest Diagnostics Nichols Institute San Juan Capistrano
Classification: Uncertain significance. Last evaluated: 2025-05-19. Review status: criteria provided, single submitter. Criteria: Quest Diagnostics criteria. Collection method: clinical testing. Allele origin: unknown.
Comment: The CHEK2 c.1091T>C (p.Ile364Thr) variant has been reported in the published literature in individuals with breast and/or ovarian cancer (PMID: 18725978 (2008), 29522266 (2018), 31050813 (2019), 32885271 (2021), 35884425 (2022), 33471991 (2021), see also LOVD), colorectal cancer (PMID: 25980754 (2015), 27978560 (2017)), and reportedly unaffected individuals (PMID: 33471991 (2021), see also LOVD). Functional studies demonstrated that this variant had inconclusive effects to protein function (PMID: 18725978 (2008), 30851065 (2019), 31050813 (2019), 37449874 (2023)). The frequency of this variant in the general population (Genome Aggregation Database) is uninformative in the assessment of its pathogenicity. Analysis of this variant using bioinformatics tools for the prediction of the effect of amino acid changes on protein structure and function yielded predictions that this variant is damaging. Based on the available information, we are unable to determine the clinical significance of this variant.

Ambry Genetics
Classification: Uncertain significance for Hereditary cancer-predisposing syndrome. Last evaluated: 2025-05-08. Review status: criteria provided, single submitter. Criteria: Ambry Variant Classification Scheme 2023. Collection method: clinical testing. Allele origin: germline.
Comment: The p.I364T variant (also known as c.1091T>C), located in coding exon 9 of the CHEK2 gene, results from a T to C substitution at nucleotide position 1091. The isoleucine at codon 364 is replaced by threonine, an amino acid with similar properties. This alteration has been identified in cohorts of breast and colorectal cancer patients (Chrisanthar R et al. PLoS ONE. 2008 Aug;3:e3062; Pearlman R et al. JAMA Oncol. 2017 Apr;3:464-471; Hauke J et al. Cancer Med. 2018 04;7:1349-1358). This variant was also observed in 1/3251 individuals who met eligibility criteria for hereditary breast and ovarian cancer syndrome (Lerner-Ellis J et al. J Cancer Res Clin Oncol, 2021 Mar;147:871-879). Functional data for this variant are conflicting with some studies reflecting intermediate activity in an in vitro kinase assay and a yeast-based cell growth, while another in vitro kinase assay found this variant non-functional and yet another human-cell-based trans-phosphorylation assay found this variant functional (Chrisanthar R et al. PLoS ONE. 2008 Aug;3:e3062; Delimitsou A et al. Hum Mutat. 2019 05;40:631-648; Kleiblova P et al. Int J Cancer. 2019 10;145:1782-1797). This variant was reported as functional in a study assessing CHEK2-complementation through quantification of KAP1 phosphorylation and CHK2 autophosphorylation in human RPE1-CHEK2-knockout cells (Stolarova L et al. Clin Cancer Res, 2023 Aug;29:3037-3050). This amino acid position is highly conserved in available vertebrate species. In addition, this alteration is predicted to be deleterious by in silico analysis. Based on the available evidence, the clinical significance of this variant remains unclear.

CeGaT Center for Human Genetics Tuebingen
Classification: Uncertain significance. Last evaluated: 2025-04-01. Review status: criteria provided, single submitter. Criteria: CeGaT Center For Human Genetics Tuebingen Variant Classification Criteria Version 2. Collection method: clinical testing. Allele origin: germline. Affected: yes. Observed: 1 variant allele.

Center for Genomic Medicine, Rigshospitalet, Copenhagen University Hospital
Classification: Uncertain significance. Last evaluated: 2025-03-04. Review status: criteria provided, single submitter. Criteria: ACMG Guidelines, 2015. Collection method: clinical testing. Allele origin: germline.

Color Diagnostics, LLC DBA Color Health
Classification: Uncertain significance for Hereditary cancer-predisposing syndrome. Last evaluated: 2025-02-10. Review status: criteria provided, single submitter. Criteria: ACMG Guidelines, 2015. Collection method: clinical testing. Allele origin: germline.
Comment: This missense variant replaces isoleucine with threonine at codon 364 of the CHEK2 protein. Computational prediction suggests that this variant may have deleterious impact on protein structure and function. Functional studies have reported the mutant protein to exhibit normal dimerization and kinase activity (PMID: 18725978, 31050813, 37449874), and intermediate function in yeast complementation assay (PMID: 30851065). This variant has been reported in individuals affected with breast cancer without strong family history (PMID: 18725978, 31050813, 32885271), as well as in individuals affected with diffuse large B cell lymphoma (PMID 23960188), colorectal cancer (PMID: 27978560) and polyps and/or Lynch syndrome-associated cancers (PMID: 25980754). This variant has been identified in 6/251208 chromosomes in the general population by the Genome Aggregation Database (gnomAD). The available evidence is insufficient to determine the role of this variant in disease conclusively. Therefore, this variant is classified as a Variant of Uncertain Significance.

Fulgent Genetics
Classification: Uncertain significance for Familial prostate cancer; Bone osteosarcoma; CHEK2-related cancer predisposition. Last evaluated: 2024-03-07. Review status: criteria provided, single submitter. Criteria: ACMG Guidelines, 2015. Collection method: clinical testing. Allele origin: germline.

Baylor Genetics
Classification: Uncertain significance for Familial cancer of breast. Last evaluated: 2024-03-04. Review status: criteria provided, single submitter. Criteria: ACMG Guidelines, 2015. Collection method: clinical testing. Allele origin: unknown.

GeneDx
Classification: Uncertain significance. Last evaluated: 2024-02-12. Review status: criteria provided, single submitter. Criteria: GeneDx Variant Classification Process June 2021. Collection method: clinical testing. Allele origin: germline. Affected: yes.
Comment: Not observed at significant frequency in large population cohorts (gnomAD); In silico analysis supports that this missense variant has a deleterious effect on protein structure/function; Published functional studies are inconclusive: intermediate response to DNA damage, partially reduced kinase activity in vitro but similar to wildtype in vivo (PMID: 18725978, 30851065, 31050813); Observed in individuals with a personal history of breast and other cancers (PMID: 18725978, 25980754, 27978560, 29522266, 31050813); This variant is associated with the following publications: (PMID: 27708748, 32948195, 18725978, 23960188, 25980754, 22229248, 27978560, 29596542, 29522266, 30851065, 31050813, 31409080, 19782031, 22419737)

NM_007194.4(CHEK2):c.1091T>C (p.Ile364Thr)

Gene: CHEK2 (checkpoint kinase 2; minus strand). Cytogenetic location: 22q12.1.
Variant type: single nucleotide variant.
Coding change: c.1091T>C on transcript NM_007194.4 (MANE Select); coding-DNA position 1091, T replaced by C.
Protein change: p.Ile364Thr; replaces isoleucine 364 with threonine.
Molecular consequence: missense variant. On other transcripts: intron variant (3).
Genome position (GRCh38, 1-based): chr22:28,696,905, A>G on the plus strand (T>C on the coding strand, the complement: CHEK2 is on the minus strand). VCF-style: chr22-28696905-A-G. GRCh37 (hg19) VCF-style: chr22-29092893-A-G.
Other names: c.428T>C, p.Ile143Thr (NM_001437942.1, NM_001257387.3); c.1184T>C, p.Ile395Thr (NM_001438293.1); c.1009-1032T>C (NM_145862.3); c.1102-1032T>C (NM_001438295.1); c.1138-1032T>C (NM_001438294.1); c.1220T>C, p.Ile407Thr (NM_001005735.3); c.890T>C, p.Ile297Thr (NM_001349956.3); short protein forms I364T, I143T, I297T, I407T, I395T.
Identifiers: ClinVar variation 185975 (VCV000185975.43), dbSNP rs774179198, ClinGen allele CA193538.
Genomic context (GRCh38, chr22:28,696,905, plus strand): 5'-AAGTTTCTGAACAAGAATCTACAGGAATAGCCACATACAGAATGCCAATTTCTTACCTTT[A>G]TAAGACAGTCCTCTTCTTGAGATGACAGTAAAACATTCTCTGGCTTTAAGTCACGGTGTA-3'
Protein context (NP_009125.1, residues 354-374): LLSSQEEDCL[Ile364Thr]KITDFGHSKI